The following is an entry in ClinVar:

ClinVar aggregate classification (germline): Uncertain significance (1 of 4 stars; one submission).

Submission:

GeneDx
Classification: Uncertain significance. Last evaluated: 2024-12-26. Review status: criteria provided, single submitter. Criteria: GeneDx Variant Classification Process June 2021. Collection method: clinical testing. Allele origin: germline. Affected: yes.
Comment: Not observed at significant frequency in large population cohorts (gnomAD); In silico analysis indicates that this missense variant does not alter protein structure/function; Has not been previously published as pathogenic or benign to our knowledge

NM_001008537.3(NEXMIF):c.3734G>A (p.Gly1245Glu)

Gene: NEXMIF (neurite extension and migration factor; minus strand). Cytogenetic location: Xq13.3.
Variant type: single nucleotide variant.
Coding change: c.3734G>A on transcript NM_001008537.3 (MANE Select); coding-DNA position 3734, G replaced by A.
Protein change: p.Gly1245Glu; replaces glycine 1245 with glutamic acid.
Molecular consequence: missense variant.
Genome position (GRCh38, 1-based): chrX:74,740,823, C>T on the plus strand (G>A on the coding strand, the complement: NEXMIF is on the minus strand). VCF-style: chrX-74740823-C-T. GRCh37 (hg19) VCF-style: chrX-73960658-C-T.
Other names: short protein forms G1245E.
Identifiers: ClinVar variation 3908018 (VCV003908018.1).